The following is an entry in ClinVar:

NM_002834.5(PTPN11):c.71G>C (p.Gly24Ala)

Gene: PTPN11 (protein tyrosine phosphatase non-receptor type 11; plus strand). Cytogenetic location: 12q24.13.
Variant type: single nucleotide variant.
Coding change: c.71G>C on transcript NM_002834.5 (MANE Select); coding-DNA position 71, G replaced by C.
Protein change: p.Gly24Ala; replaces glycine 24 with alanine.
Molecular consequence: missense variant.
Genome position (GRCh38, 1-based): chr12:112,446,332, G>C. VCF-style: chr12-112446332-G-C. GRCh37 (hg19) VCF-style: chr12-112884136-G-C.
Other names: c.71G>C, p.Gly24Ala (NM_001330437.2, NM_001374625.1, NM_080601.3); short protein forms G24A.
Identifiers: ClinVar variation 3940407 (VCV003940407.1).

ClinVar aggregate classification (germline): Uncertain significance (1 of 4 stars; one submission).

Conditions:
Cardiovascular phenotype. Identifiers: MedGen CN230736.

Submission:

Ambry Genetics
Classification: Uncertain significance for Cardiovascular phenotype. Last evaluated: 2025-04-19. Review status: criteria provided, single submitter. Criteria: Ambry Variant Classification Scheme 2023. Collection method: clinical testing. Allele origin: germline.
Comment: The p.G24A variant (also known as c.71G>C), located in coding exon 2 of the PTPN11 gene, results from a G to C substitution at nucleotide position 71. The glycine at codon 24 is replaced by alanine, an amino acid with similar properties. This amino acid position is conserved. In addition, this alteration is predicted to be deleterious by in silico analysis. Based on the available evidence, the clinical significance of this variant remains unclear.